The following is an entry in ClinVar:

NM_022041.4(GAN):c.*1659del

Gene: GAN (gigaxonin; plus strand). Cytogenetic location: 16q23.2.
Variant type: Deletion.
Coding change: c.*1659del on transcript NM_022041.4 (MANE Select); 1659 bases downstream of the stop codon, one base deleted (T; older notation c.*1659delT).
Molecular consequence: 3 prime UTR variant.
Genome position (GRCh38, 1-based): chr16:81,379,255, T deleted; the last of 8 consecutive T bases (chr16:81,379,248-81,379,255); deleting any one gives the same sequence. VCF-style (leftmost placement, unchanged base first): chr16-81379247-AT-A. GRCh37 (hg19) VCF-style: chr16-81412852-AT-A.
Other names: c.*1659del (NM_001377486.1).
Identifiers: ClinVar variation 320697 (VCV000320697.29), dbSNP rs546229255, ClinGen allele CA10638445.

ClinVar aggregate classification (germline): Benign (1 of 4 stars; one submission).

Submission:

CeGaT Center for Human Genetics Tuebingen
Classification: Benign. Last evaluated: 2023-05-01. Review status: criteria provided, single submitter. Criteria: CeGaT Center For Human Genetics Tuebingen Variant Classification Criteria Version 2. Collection method: clinical testing. Allele origin: germline. Affected: yes. Observed: 7 variant alleles.
Comment: GAN: BS1, BS2